The following is an entry in ClinVar:

ClinVar aggregate classification (germline): Uncertain significance. Review status: criteria provided, single submitter (1 of 4 stars). 2 submissions from 2 submitters: Uncertain significance (1). 1 of the submissions does not count toward it. Last evaluated 2022-07-05.

Conditions:
NKX3-2-related disorder. Also called: NKX3-2-related condition.

Allele frequency attached by ClinVar (database versions not stated): gnomAD 0.00001; gnomAD exomes 0.00001 and 0.00003; TOPMed 0.00002; ExAC 0.00003.
gnomAD v4.1: 15 of 1,607,244 alleles (0.00093%); highest among the groups gnomAD compares: Middle Eastern, 0.017%; no homozygotes.

Submissions (2):

Labcorp Genetics (formerly Invitae), Labcorp
Classification: Uncertain significance. Last evaluated: 2022-07-05. Review status: criteria provided, single submitter. Criteria: Invitae Variant Classification Sherloc (09022015). Collection method: clinical testing. Allele origin: germline.
Comment: This variant is present in population databases (rs746738857, gnomAD 0.02%). In summary, the available evidence is currently insufficient to determine the role of this variant in disease. Therefore, it has been classified as a Variant of Uncertain Significance. Algorithms developed to predict the effect of sequence changes on RNA splicing suggest that this variant may create or strengthen a splice site. Algorithms developed to predict the effect of missense changes on protein structure and function (SIFT, PolyPhen-2, Align-GVGD) all suggest that this variant is likely to be disruptive. ClinVar contains an entry for this variant (Variation ID: 1439291). This variant has not been reported in the literature in individuals affected with NKX3-2-related conditions. This sequence change replaces proline, which is neutral and non-polar, with serine, which is neutral and polar, at codon 234 of the NKX3-2 protein (p.Pro234Ser).

PreventionGenetics, part of Exact Sciences
Classification: Uncertain significance for NKX3-2-related condition. Last evaluated: 2023-11-01. Review status: no assertion criteria provided. Collection method: clinical testing. Allele origin: germline. Not counted in ClinVar's aggregate classification.
Comment: The NKX3-2 c.700C>T variant is predicted to result in the amino acid substitution p.Pro234Ser. To our knowledge, this variant has not been reported in the literature. This variant is reported in 0.020% of alleles in individuals of Latino descent in gnomAD. At this time, the clinical significance of this variant is uncertain due to the absence of conclusive functional and genetic evidence.

NM_001189.4(NKX3-2):c.700C>T (p.Pro234Ser)

Gene: NKX3-2 (NK3 homeobox 2; minus strand). Cytogenetic location: 4p15.33.
Variant type: single nucleotide variant.
Coding change: c.700C>T on transcript NM_001189.4 (MANE Select); coding-DNA position 700, C replaced by T.
Protein change: p.Pro234Ser; replaces proline 234 with serine.
Molecular consequence: missense variant.
Genome position (GRCh38, 1-based): chr4:13,542,295, G>A on the plus strand (C>T on the coding strand, the complement: NKX3-2 is on the minus strand). VCF-style: chr4-13542295-G-A. GRCh37 (hg19) VCF-style: chr4-13543919-G-A.
Other names: c.700C>T (NM_001189.3); short protein forms P234S.
Identifiers: ClinVar variation 1439291 (VCV001439291.6), dbSNP rs746738857, ClinGen allele CA2860324.